The following is an entry in ClinVar:

NM_001081.4(CUBN):c.409A>C (p.Ser137Arg)

Gene: CUBN (cubilin; minus strand). Cytogenetic location: 10p13.
Variant type: single nucleotide variant.
Coding change: c.409A>C on transcript NM_001081.4 (MANE Select); coding-DNA position 409, A replaced by C.
Protein change: p.Ser137Arg; replaces serine 137 with arginine.
Molecular consequence: missense variant.
Genome position (GRCh38, 1-based): chr10:17,123,668, T>G on the plus strand (A>C on the coding strand, the complement: CUBN is on the minus strand). VCF-style: chr10-17123668-T-G. GRCh37 (hg19) VCF-style: chr10-17165667-T-G.
Other names: short protein forms S137R.
Identifiers: ClinVar variation 878708 (VCV000878708.9), dbSNP rs202053511, ClinGen allele CA5425673.

ClinVar aggregate classification (germline): Uncertain significance. Review status: criteria provided, multiple submitters, no conflicts (2 of 4 stars). 3 submissions from 3 submitters: Uncertain significance (3). Last evaluated 2025-08-09.

Conditions:
Inborn genetic diseases. Identifiers: MedGen C0950123, MeSH D030342.
Imerslund-Grasbeck syndrome. Also called: ENTEROCYTE COBALAMIN MALABSORPTION; ENTEROCYTE INTRINSIC FACTOR RECEPTOR, DEFECT OF; Imerslund-Gräsbeck syndrome; Megaloblastic anemia due to inborn errors of metabolism; PERNICIOUS ANEMIA, JUVENILE, DUE TO SELECTIVE INTESTINAL MALABSORPTION OF VITAMIN B12, WITH PROTEINURIA. Identifiers: Orphanet 35858, MedGen C4551825, MONDO:0009853.
Imerslund-Grasbeck syndrome type 1 (IGS1). Also called: Megaloblastic anemia 1, Finnish type; Imerslund-Gräsbeck syndrome 1; MEGALOBLASTIC ANEMIA, 1. Identifiers: MedGen C4016819, MONDO:0100156, OMIM 261100.

Allele frequency attached by ClinVar (database versions not stated): TOPMed 0.00001.
gnomAD v4.1: 5 of 1,613,744 alleles (0.00031%); highest among the groups gnomAD compares: Admixed American, 0.0017%; no homozygotes.

Submissions (3):

Ambry Genetics
Classification: Uncertain significance for Inborn genetic diseases. Last evaluated: 2025-08-09. Review status: criteria provided, single submitter. Criteria: Ambry Variant Classification Scheme 2023. Collection method: clinical testing. Allele origin: germline.

Labcorp Genetics (formerly Invitae), Labcorp
Classification: Uncertain significance for Imerslund-Grasbeck syndrome. Last evaluated: 2023-12-07. Review status: criteria provided, single submitter. Criteria: Invitae Variant Classification Sherloc (09022015). Collection method: clinical testing. Allele origin: germline.
Comment: This sequence change replaces serine, which is neutral and polar, with arginine, which is basic and polar, at codon 137 of the CUBN protein (p.Ser137Arg). This variant is present in population databases (rs202053511, gnomAD 0.01%). This variant has not been reported in the literature in individuals affected with CUBN-related conditions. ClinVar contains an entry for this variant (Variation ID: 878708). Advanced modeling of protein sequence and biophysical properties (such as structural, functional, and spatial information, amino acid conservation, physicochemical variation, residue mobility, and thermodynamic stability) performed at Invitae indicates that this missense variant is not expected to disrupt CUBN protein function with a negative predictive value of 80%. In summary, the available evidence is currently insufficient to determine the role of this variant in disease. Therefore, it has been classified as a Variant of Uncertain Significance.

Illumina Laboratory Services, Illumina
Classification: Uncertain significance for Imerslund-Grasbeck syndrome type 1. Last evaluated: 2018-01-13. Review status: criteria provided, single submitter. Criteria: ICSL Variant Classification Criteria 13 December 2019. Collection method: clinical testing. Allele origin: germline.